The following is an entry in ClinVar:

NM_015450.3(POT1):c.1558G>A (p.Asp520Asn)

Gene: POT1 (protection of telomeres 1; minus strand). Cytogenetic location: 7q31.33.
Variant type: single nucleotide variant.
Coding change: c.1558G>A on transcript NM_015450.3 (MANE Select); coding-DNA position 1558, G replaced by A.
Protein change: p.Asp520Asn; replaces aspartic acid 520 with asparagine.
Molecular consequence: missense variant. On other transcripts: non-coding transcript variant (2).
Genome position (GRCh38, 1-based): chr7:124,829,290, C>T on the plus strand (G>A on the coding strand, the complement: POT1 is on the minus strand). VCF-style: chr7-124829290-C-T. GRCh37 (hg19) VCF-style: chr7-124469344-C-T.
Other names: c.1165G>A, p.Asp389Asn (NM_001042594.2); short protein forms D389N, D520N.
Identifiers: ClinVar variation 3226660 (VCV003226660.1), dbSNP rs2485352561, ClinGen allele CA369064461.

ClinVar aggregate classification (germline): Uncertain significance (1 of 4 stars; one submission).

Conditions:
Hereditary cancer-predisposing syndrome. Also called: Neoplastic Syndromes, Hereditary; Tumor predisposition; Hereditary neoplastic syndrome; Hereditary Cancer Syndrome. Identifiers: Orphanet 140162, MedGen C0027672, MeSH D009386, MONDO:0015356.

Submission:

Ambry Genetics
Classification: Uncertain significance for Hereditary cancer-predisposing syndrome. Last evaluated: 2023-12-07. Review status: criteria provided, single submitter. Criteria: Ambry Variant Classification Scheme 2023. Collection method: clinical testing. Allele origin: germline.
Comment: The p.D520N variant (also known as c.1558G>A), located in coding exon 12 of the POT1 gene, results from a G to A substitution at nucleotide position 1558. The aspartic acid at codon 520 is replaced by asparagine, an amino acid with highly similar properties. This amino acid position is conserved. In addition, this alteration is predicted to be tolerated by in silico analysis. Since supporting evidence is limited at this time, the clinical significance of this alteration remains unclear.